The following is an entry in ClinVar:

NM_005235.3(ERBB4):c.503G>A (p.Arg168Gln)

Gene: ERBB4 (erb-b2 receptor tyrosine kinase 4; minus strand). Cytogenetic location: 2q34.
Variant type: single nucleotide variant.
Coding change: c.503G>A on transcript NM_005235.3 (MANE Select); coding-DNA position 503, G replaced by A.
Protein change: p.Arg168Gln; replaces arginine 168 with glutamine.
Molecular consequence: missense variant.
Genome position (GRCh38, 1-based): chr2:211,788,078, C>T on the plus strand (G>A on the coding strand, the complement: ERBB4 is on the minus strand). VCF-style: chr2-211788078-C-T. GRCh37 (hg19) VCF-style: chr2-212652803-C-T.
Other names: c.503G>A, p.Arg168Gln (NM_001042599.2); short protein forms R168Q.
Identifiers: ClinVar variation 2153979 (VCV002153979.4), dbSNP rs200302763, ClinGen allele CA2088421.
Genomic context (GRCh38, chr2:211,788,078, plus strand): 5'-TACTTACATCCTGAACTACCATTTGTTGACACAAGAGTCAAGTTGGAAGGCCATGGGTTC[C>T]GAACAATATCTTGCCAATGAATGGTGTCTGCATAACAAAGGAATTTGTTCTGGTCTACAT-3'
Protein context (NP_005226.1, residues 158-178): ADTIHWQDIV[Arg168Gln]NPWPSNLTLV

ClinVar aggregate classification (germline): Uncertain significance (1 of 4 stars; one submission).

Allele frequency attached by ClinVar (database versions not stated): TOPMed 0.00007; ESP Exome Variant Server 0.00008; gnomAD 0.00009; gnomAD exomes 0.00012; ExAC 0.00013.

Submission:

Labcorp Genetics (formerly Invitae), Labcorp
Classification: Uncertain significance. Last evaluated: 2025-08-13. Review status: criteria provided, single submitter. Criteria: Invitae Variant Classification Sherloc (09022015). Collection method: clinical testing. Allele origin: germline.
Comment: This sequence change replaces arginine, which is basic and polar, with glutamine, which is neutral and polar, at codon 168 of the ERBB4 protein (p.Arg168Gln). This variant is present in population databases (rs200302763, gnomAD 0.04%), and has an allele count higher than expected for a pathogenic variant. This variant has not been reported in the literature in individuals affected with ERBB4-related conditions. ClinVar contains an entry for this variant (Variation ID: 2153979). Invitae Evidence Modeling of protein sequence and biophysical properties (such as structural, functional, and spatial information, amino acid conservation, physicochemical variation, residue mobility, and thermodynamic stability) indicates that this missense variant is not expected to disrupt ERBB4 protein function with a negative predictive value of 80%. In summary, the available evidence is currently insufficient to determine the role of this variant in disease. Therefore, it has been classified as a Variant of Uncertain Significance.